The following is an entry in ClinVar:

ClinVar aggregate classification (germline): Uncertain significance. Review status: criteria provided, multiple submitters, no conflicts (2 of 4 stars). 3 submissions from 3 submitters: Uncertain significance (3). Last evaluated 2025-05-05.

Conditions:
Hereditary cancer-predisposing syndrome. Also called: Tumor predisposition; Neoplastic Syndromes, Hereditary; Hereditary neoplastic syndrome; Hereditary Cancer Syndrome. Identifiers: Orphanet 140162, MedGen C0027672, MeSH D009386, MONDO:0015356.
Hereditary breast ovarian cancer syndrome. Also called: Hereditary breast and ovarian cancer syndrome; Breast and ovarian cancer; Hereditary breast and/or ovarian cancer syndrome; Hereditary breast and ovarian cancer; BRCA1- and BRCA2-Associated Hereditary Breast and Ovarian Cancer; Hereditary breast and ovarian cancer syndrome (HBOC). Identifiers: Orphanet 145, MedGen C0677776, MeSH D061325, MONDO:0003582. Disease mechanism: loss of function.

Submissions (3):

Labcorp Genetics (formerly Invitae), Labcorp
Classification: Uncertain significance for Hereditary breast ovarian cancer syndrome. Last evaluated: 2025-05-05. Review status: criteria provided, single submitter. Criteria: Invitae Variant Classification Sherloc (09022015). Collection method: clinical testing. Allele origin: germline.
Comment: This sequence change replaces aspartic acid, which is acidic and polar, with valine, which is neutral and non-polar, at codon 2294 of the BRCA2 protein (p.Asp2294Val). This variant is not present in population databases (gnomAD no frequency). This variant has not been reported in the literature in individuals affected with BRCA2-related conditions. ClinVar contains an entry for this variant (Variation ID: 849371). Invitae Evidence Modeling of protein sequence and biophysical properties (such as structural, functional, and spatial information, amino acid conservation, physicochemical variation, residue mobility, and thermodynamic stability) indicates that this missense variant is not expected to disrupt BRCA2 protein function with a negative predictive value of 95%. RNA analysis performed to evaluate the impact of this missense change on mRNA splicing indicates it does not significantly alter splicing (internal data). In summary, the available evidence is currently insufficient to determine the role of this variant in disease. Therefore, it has been classified as a Variant of Uncertain Significance.

Color Diagnostics, LLC DBA Color Health
Classification: Uncertain significance for Hereditary cancer-predisposing syndrome. Last evaluated: 2024-10-01. Review status: criteria provided, single submitter. Criteria: ACMG Guidelines, 2015. Collection method: clinical testing. Allele origin: germline.
Comment: This missense variant replaces aspartic acid with valine at codon 2294 of the BRCA2 protein. Computational prediction suggests that this variant may have deleterious impact on protein structure and function. To our knowledge, functional studies have not been reported for this variant. This variant has been reported in one suspected hereditary breast and ovarian cancer family (PMID: 31409081). This variant has not been identified in the general population by the Genome Aggregation Database (gnomAD). The available evidence is insufficient to determine the role of this variant in disease conclusively. Therefore, this variant is classified as a Variant of Uncertain Significance.

Ambry Genetics
Classification: Uncertain significance for Hereditary cancer-predisposing syndrome. Last evaluated: 2020-03-19. Review status: criteria provided, single submitter. Criteria: Ambry Variant Classification Scheme 2023. Collection method: clinical testing. Allele origin: germline.
Comment: The p.D2294V variant (also known as c.6881A>T), located in coding exon 11 of the BRCA2 gene, results from an A to T substitution at nucleotide position 6881. The aspartic acid at codon 2294 is replaced by valine, an amino acid with highly dissimilar properties. This amino acid position is well conserved in available vertebrate species. In addition, this alteration is predicted to be deleterious by in silico analysis. Since supporting evidence is limited at this time, the clinical significance of this alteration remains unclear.

Literature cited by the submitters: PubMed 31409081 (cited by Color Diagnostics, LLC DBA Color Health).

NM_000059.4(BRCA2):c.6881A>T (p.Asp2294Val)

Gene: BRCA2 (BRCA2 DNA repair associated; plus strand). Cytogenetic location: 13q13.1.
Variant type: single nucleotide variant.
Coding change: c.6881A>T on transcript NM_000059.4 (MANE Select); coding-DNA position 6881, A replaced by T.
Protein change: p.Asp2294Val; replaces aspartic acid 2294 with valine.
Molecular consequence: missense variant.
Genome position (GRCh38, 1-based): chr13:32,344,597, A>T. VCF-style: chr13-32344597-A-T. GRCh37 (hg19) VCF-style: chr13-32918734-A-T.
Other names: short protein forms D2294V.
Identifiers: ClinVar variation 849371 (VCV000849371.13), dbSNP rs2072597964, ClinGen allele CA387792765.